The following is an entry in ClinVar:

NM_001382430.1(AKT1):c.406G>T (p.Val136Leu)

Gene: AKT1 (AKT serine/threonine kinase 1; minus strand). Cytogenetic location: 14q32.33.
Variant type: single nucleotide variant.
Coding change: c.406G>T on transcript NM_001382430.1 (MANE Select); coding-DNA position 406, G replaced by T.
Protein change: p.Val136Leu; replaces valine 136 with leucine.
Molecular consequence: missense variant.
Genome position (GRCh38, 1-based): chr14:104,775,681, C>A on the plus strand (G>T on the coding strand, the complement: AKT1 is on the minus strand). VCF-style: chr14-104775681-C-A. GRCh37 (hg19) VCF-style: chr14-105242018-C-A.
Other names: c.406G>T, p.Val136Leu (NM_001014431.2, NM_001014432.2, NM_001382431.1 and 3 more transcripts); short protein forms V136L.
Identifiers: ClinVar variation 4036163 (VCV004036163.1).

ClinVar aggregate classification (germline): Uncertain significance (1 of 4 stars; one submission).

Conditions:
Inborn genetic diseases. Identifiers: MedGen C0950123, MeSH D030342.

Submission:

Ambry Genetics
Classification: Uncertain significance for Inborn genetic diseases. Last evaluated: 2025-06-06. Review status: criteria provided, single submitter. Criteria: Ambry Variant Classification Scheme 2023. Collection method: clinical testing. Allele origin: germline.
Comment: The p.V136L variant (also known as c.406G>T), located in coding exon 4 of the AKT1 gene, results from a G to T substitution at nucleotide position 406. The valine at codon 136 is replaced by leucine, an amino acid with highly similar properties. This amino acid position is conserved. In addition, this alteration is predicted to be tolerated by in silico analysis. Based on the available evidence, the clinical significance of this variant remains unclear.